The following is an entry in ClinVar:

ClinVar aggregate classification (germline): Likely pathogenic (1 of 4 stars; one submission).

Conditions:
Primary hyperoxaluria, type II (HP2). Also called: GLYCERIC ACIDURIA; GLYOXYLATE REDUCTASE/HYDROXYPYRUVATE REDUCTASE DEFICIENCY; OXALOSIS II; Primary hyperoxaluria type 2; D-GLYCERATE DEHYDROGENASE DEFICIENCY. Identifiers: Orphanet 416, Orphanet 93599, MedGen C0268165, MONDO:0009824, OMIM 260000. Disease mechanism: loss of function.

Submission:

Myriad Genetics, Inc.
Classification: Likely pathogenic for Primary hyperoxaluria, type II. Last evaluated: 2019-09-13. Review status: criteria provided, single submitter. Criteria: Myriad Women's Health Autosomal Recessive and X-Linked Classification Criteria (2019). Collection method: clinical testing. Allele origin: unknown.
Comment: NM_012203.1(GRHPR):c.306C>A(Y102*) is expected to be pathogenic in the context of primary hyperoxaluria type 2. This variant is predicted to lead to an abnormal or absent protein product due to the creation of a premature termination codon in GRHPR, a gene where loss-of-function variants are known to be pathogenic. Please note: this variant was assessed in the context of healthy population screening.

NM_012203.2(GRHPR):c.306C>A (p.Tyr102Ter)

Gene: GRHPR (glyoxylate and hydroxypyruvate reductase; plus strand). Cytogenetic location: 9p13.2.
Variant type: single nucleotide variant.
Coding change: c.306C>A on transcript NM_012203.2 (MANE Select); coding-DNA position 306, C replaced by A.
Protein change: p.Tyr102Ter; replaces tyrosine 102 with a stop codon.
Molecular consequence: nonsense.
Genome position (GRCh38, 1-based): chr9:37,426,556, C>A. VCF-style: chr9-37426556-C-A. GRCh37 (hg19) VCF-style: chr9-37426553-C-A.
Other names: short protein forms Y102*.
Identifiers: ClinVar variation 984353 (VCV000984353.3), dbSNP rs1823086297, ClinGen allele CA373442456.